The following is an entry in ClinVar:

ClinVar aggregate classification (germline): Uncertain significance. Review status: criteria provided, multiple submitters, no conflicts (2 of 4 stars). 4 submissions from 4 submitters: Uncertain significance (4). Last evaluated 2024-10-12.

Conditions:
Cardiovascular phenotype. Identifiers: MedGen CN230736.
Sick sinus syndrome 2, autosomal dominant (SSS2). Also called: SINUS BRADYCARDIA SYNDROME, FAMILIAL, AUTOSOMAL DOMINANT; SINUS NODE DISEASE, FAMILIAL, AUTOSOMAL DOMINANT; ATRIAL FIBRILLATION WITH BRADYARRHYTHMIA; SICK SINUS SYNDROME 2; SICK SINUS SYNDROME 2 WITH OR WITHOUT CARDIAC NONCOMPACTION AND/OR ASCENDING AORTA DILATION. Identifiers: Orphanet 166282, MedGen C1834144, MONDO:0008102, OMIM 163800.
Brugada syndrome 8 (BRGDA8). Identifiers: Orphanet 130, MedGen C2751083, MONDO:0013148, OMIM 613123.

Allele frequency attached by ClinVar (database versions not stated): TOPMed 0.00001; gnomAD 0.00003; gnomAD exomes 0.00003; ExAC 0.00005.
gnomAD v4.1: 42 of 1,464,654 alleles (0.0029%); highest among the groups gnomAD compares: Non-Finnish European, 0.0034%; no homozygotes.

Submissions (4):

Labcorp Genetics (formerly Invitae), Labcorp
Classification: Uncertain significance for Brugada syndrome 8. Last evaluated: 2024-10-12. Review status: criteria provided, single submitter. Criteria: Invitae Variant Classification Sherloc (09022015). Collection method: clinical testing. Allele origin: germline.
Comment: This sequence change replaces glycine, which is neutral and non-polar, with serine, which is neutral and polar, at codon 1077 of the HCN4 protein (p.Gly1077Ser). The frequency data for this variant in the population databases is considered unreliable, as metrics indicate poor data quality at this position in the gnomAD database. This missense change has been observed in individual(s) with atrial fibrillation, dilated cardiomyopathy, and/or left ventricular non-compaction (PMID: 24607718, 28254188, 33500567). ClinVar contains an entry for this variant (Variation ID: 844561). Invitae Evidence Modeling of protein sequence and biophysical properties (such as structural, functional, and spatial information, amino acid conservation, physicochemical variation, residue mobility, and thermodynamic stability) indicates that this missense variant is not expected to disrupt HCN4 protein function with a negative predictive value of 95%. Experimental studies have shown that this missense change does not substantially affect HCN4 function (PMID: 24607718). In summary, the available evidence is currently insufficient to determine the role of this variant in disease. Therefore, it has been classified as a Variant of Uncertain Significance.

Blueprint Genetics
Classification: Uncertain significance. Last evaluated: 2024-02-16. Review status: criteria provided, single submitter. Criteria: ACMG Guidelines, 2015. Collection method: clinical testing. Allele origin: germline.

Victorian Clinical Genetics Services, Murdoch Childrens Research Institute
Classification: Uncertain significance for Sick sinus syndrome 2, autosomal dominant. Last evaluated: 2020-10-19. Review status: criteria provided, single submitter. Criteria: ACMG Guidelines, 2015. Collection method: clinical testing. Allele origin: germline. Inheritance: Autosomal dominant inheritance.
Comment: Based on the classification scheme VCGS_Germline_v1.3.4, this variant is classified as 3B-VUS. Following criteria are met: 0102 - Loss of function is a known mechanism of disease in this gene and is associated with sick sinus syndrome 2 (MIM#163800). Gain of function has been reported to cause inappropriate sinus tachycardia, a type of sinus node dysfunction (PMID: 28182231). (I) 0107 - This gene is associated with autosomal dominant disease. (I) 0200 - Variant is predicted to result in a missense amino acid change from glycine to serine. (I) 0251 - This variant is heterozygous. (I) 0302 - Variant is present in gnomAD (v3) <0.001 for a dominant condition (4 heterozygotes, 0 homozygotes). (SP) 0502 - Missense variant with conflicting in silico predictions and uninformative conservation. (I) 0604 - Variant is not located in an established domain, motif, hotspot or informative constraint region. (I) 0705 - No comparable missense variants have previous evidence for pathogenicity. (I) 0809 - Previous evidence of pathogenicity for this variant is inconclusive. It has been reported as a VUS for Brugada syndrome (ClinVar) and it has also been identified in an individual with atrial fibrillation in a study assessing susceptibility to the condition (PMID: 24607718). In addition, it has been reported in an individual with dilated cardiomyopathy who also harboured the VUS p.(Arg589Trp) in the RBM20 gene (PMID: 28254189). (I) 0905 - No published segregation evidence has been identified for this variant. (I) 1004 - This variant has moderate functional evidence supporting normal protein function. Patch clamp experiments showed no significant difference compared to wild-type (PMID: 24607718). However, patch clamp assays have been shown to be unreliable therefore, results from these studies are used with caution during variant classification. (I) 1208 - Inheritance information for this variant is not currently available in this individual. (I) Legend: (SP) - Supporting pathogenic, (I) - Information, (SB) - Supporting benign

Ambry Genetics
Classification: Uncertain significance for Cardiovascular phenotype. Last evaluated: 2020-01-22. Review status: criteria provided, single submitter. Criteria: Ambry Variant Classification Scheme 2023. Collection method: clinical testing. Allele origin: germline.
Comment: The p.G1077S variant (also known as c.3229G>A), located in coding exon 8 of the HCN4 gene, results from a G to A substitution at nucleotide position 3229. The glycine at codon 1077 is replaced by serine, an amino acid with similar properties. This variant was detected in an early onset atrial fibrillation cohort; however, whole patch clamp studies showed no significant impact (Macri V et al. Heart Rhythm, 2014 Jun;11:1055-1062). This amino acid position is well conserved in available vertebrate species. In addition, the in silico prediction for this alteration is inconclusive. Since supporting evidence is limited at this time, the clinical significance of this alteration remains unclear.

Literature cited by the submitters: PubMed 24607718 (cited by 3 submitters); PubMed 28254188 (cited by Labcorp Genetics (formerly Invitae), Labcorp); PubMed 33500567 (cited by Labcorp Genetics (formerly Invitae), Labcorp); PubMed 28182231 (cited by Victorian Clinical Genetics Services, Murdoch Childrens Research Institute); PubMed 28254189 (cited by Victorian Clinical Genetics Services, Murdoch Childrens Research Institute).

NM_005477.3(HCN4):c.3229G>A (p.Gly1077Ser)

Gene: HCN4 (hyperpolarization activated cyclic nucleotide gated potassium channel 4; minus strand). Cytogenetic location: 15q24.1.
Variant type: single nucleotide variant.
Coding change: c.3229G>A on transcript NM_005477.3 (MANE Select); coding-DNA position 3229, G replaced by A.
Protein change: p.Gly1077Ser; replaces glycine 1077 with serine.
Molecular consequence: missense variant.
Genome position (GRCh38, 1-based): chr15:73,322,864, C>T on the plus strand (G>A on the coding strand, the complement: HCN4 is on the minus strand). VCF-style: chr15-73322864-C-T. GRCh37 (hg19) VCF-style: chr15-73615205-C-T.
Other names: short protein forms G1077S.
Identifiers: ClinVar variation 844561 (VCV000844561.11), dbSNP rs746291340, ClinGen allele CA7648861.